The following is an entry in ClinVar:

NM_000371.4(TTR):c.182G>T (p.Trp61Leu)

Gene: TTR (transthyretin; plus strand). Cytogenetic location: 18q12.1.
Variant type: single nucleotide variant.
Coding change: c.182G>T on transcript NM_000371.4 (MANE Select); coding-DNA position 182, G replaced by T.
Protein change: p.Trp61Leu; replaces tryptophan 61 with leucine.
Molecular consequence: missense variant.
Genome position (GRCh38, 1-based): chr18:31,593,008, G>T. VCF-style: chr18-31593008-G-T. GRCh37 (hg19) VCF-style: chr18-29172971-G-T.
Other names: short protein forms W61L.
Identifiers: ClinVar variation 1075408 (VCV001075408.7), dbSNP rs1567945702, ClinGen allele CA402156850.
Genomic context (GRCh38, chr18:31,593,008, plus strand): 5'-GAGGCAGTCCTGCCATCAATGTGGCCGTGCATGTGTTCAGAAAGGCTGCTGATGACACCT[G>T]GGAGCCATTTGCCTCTGGGTAAGTTGCCAAAGAACCCTCCCACAGGACTTGGTTTTATCT-3'
Protein context (NP_000362.1, residues 51-71): HVFRKAADDT[Trp61Leu]EPFASGKTSE

ClinVar aggregate classification (germline): Pathogenic (1 of 4 stars; one submission).

Conditions:
Amyloidosis, hereditary systemic 1 (AMYLD1). Also called: AMYLOID CARDIOMYOPATHY; Familial amyloid polyneuropathy; Transthyretin Amyloidosis; Hereditary oculoleptomeningeal amyloid angiopathy; Familial Transthyretin Amyloidosis; Isolated Cardiac Amyloidosis. Identifiers: Orphanet 85447, Orphanet 85451, MedGen C2751492, MONDO:0971004, OMIM 105210.

Submission:

Labcorp Genetics (formerly Invitae), Labcorp
Classification: Pathogenic for Amyloidosis, hereditary systemic 1. Last evaluated: 2023-01-10. Review status: criteria provided, single submitter. Criteria: Invitae Variant Classification Sherloc (09022015). Collection method: clinical testing. Allele origin: germline.
Comment: This missense change has been observed in individual(s) with hereditary transthyretin-mediated amyloidosis (hATTR amyloidosis) (PMID: 12557756, 26959691). For these reasons, this variant has been classified as Pathogenic. Advanced modeling of protein sequence and biophysical properties (such as structural, functional, and spatial information, amino acid conservation, physicochemical variation, residue mobility, and thermodynamic stability) performed at Invitae indicates that this missense variant is expected to disrupt TTR protein function. ClinVar contains an entry for this variant (Variation ID: 1075408). This variant is also known as p.Trp41Leu. This variant is not present in population databases (gnomAD no frequency). This sequence change replaces tryptophan, which is neutral and slightly polar, with leucine, which is neutral and non-polar, at codon 61 of the TTR protein (p.Trp61Leu).

Literature cited by the submitters: PubMed 12557756; PubMed 26959691.